The following is an entry in ClinVar:

NM_001110556.2(FLNA):c.3574G>A (p.Glu1192Lys)

Gene: FLNA (filamin A; minus strand). Cytogenetic location: Xq28.
Variant type: single nucleotide variant.
Coding change: c.3574G>A on transcript NM_001110556.2 (MANE Select); coding-DNA position 3574, G replaced by A.
Protein change: p.Glu1192Lys; replaces glutamic acid 1192 with lysine.
Molecular consequence: missense variant.
Genome position (GRCh38, 1-based): chrX:154,360,221, C>T on the plus strand (G>A on the coding strand, the complement: FLNA is on the minus strand). VCF-style: chrX-154360221-C-T. GRCh37 (hg19) VCF-style: chrX-153588589-C-T.
Other names: c.3574G>A, p.Glu1192Lys (NM_001456.4); short protein forms E1192K.
Identifiers: ClinVar variation 2952152 (VCV002952152.3), dbSNP rs2522740916, ClinGen allele CA415224276.

ClinVar aggregate classification (germline): Uncertain significance (1 of 4 stars; one submission).

Conditions:
Heterotopia, periventricular, X-linked dominant (PVNH1). Also called: PERIVENTRICULAR NODULAR HETEROTOPIA 1; X-linked periventricular heterotopia; PERIVENTRICULAR NODULAR HETEROTOPIA 4; HETEROTOPIA, PERIVENTRICULAR, 1. Identifiers: Orphanet 2149, Orphanet 82004, MedGen C1848213, MONDO:0010233, OMIM 300049.
Melnick-Needles syndrome (MNS). Also called: Melnick-Needles Syndrome (FLNA-MNS); MELNICK-NEEDLES OSTEODYSPLASTY; OSTEODYSPLASTY OF MELNICK AND NEEDLES. Identifiers: Orphanet 2484, MedGen C0025237, MONDO:0010650, OMIM 309350.
Frontometaphyseal dysplasia (FMD1). Identifiers: Orphanet 1826, MedGen C0265293, MONDO:0015942.
Oto-palato-digital syndrome, type II (OPD2). Also called: Otopalatodigital Syndrome Type 2 (FLNA-OPD2); FACIOPALATOOSSEOUS SYNDROME; OPD II SYNDROME; Otopalatodigital Syndrome, Type II. Identifiers: Orphanet 669, Orphanet 90652, MedGen C1844696, MONDO:0010571, OMIM 304120.

Submission:

Labcorp Genetics (formerly Invitae), Labcorp
Classification: Uncertain significance for Oto-palato-digital syndrome, type II; Heterotopia, periventricular, X-linked dominant; Frontometaphyseal dysplasia; Melnick-Needles syndrome. Last evaluated: 2023-09-22. Review status: criteria provided, single submitter. Criteria: Invitae Variant Classification Sherloc (09022015). Collection method: clinical testing. Allele origin: germline.
Comment: This sequence change replaces glutamic acid, which is acidic and polar, with lysine, which is basic and polar, at codon 1192 of the FLNA protein (p.Glu1192Lys). This variant is not present in population databases (gnomAD no frequency). This variant has not been reported in the literature in individuals affected with FLNA-related conditions. Advanced modeling of protein sequence and biophysical properties (such as structural, functional, and spatial information, amino acid conservation, physicochemical variation, residue mobility, and thermodynamic stability) performed at Invitae indicates that this missense variant is not expected to disrupt FLNA protein function. In summary, the available evidence is currently insufficient to determine the role of this variant in disease. Therefore, it has been classified as a Variant of Uncertain Significance.